The following is an entry in ClinVar:

NM_152327.5(AK7):c.25G>C (p.Ala9Pro)

Genes: AK7 (adenylate kinase 7; plus strand), LOC130056398 (ATAC-STARR-seq lymphoblastoid silent region 6054; plus strand). Cytogenetic location: 14q32.2.
Variant type: single nucleotide variant.
Coding change: c.25G>C on transcript NM_152327.5 (MANE Select); coding-DNA position 25, G replaced by C.
Protein change: p.Ala9Pro; replaces alanine 9 with proline.
Molecular consequence: missense variant.
Genome position (GRCh38, 1-based): chr14:96,392,179, G>C. VCF-style: chr14-96392179-G-C. GRCh37 (hg19) VCF-style: chr14-96858516-G-C.
Other names: c.25G>C, p.Ala9Pro (NM_001350888.2, NM_001350890.2, NM_001350891.2 and 1 more transcripts); short protein forms A9P.
Identifiers: ClinVar variation 2993685 (VCV002993685.3), dbSNP rs2504258752, ClinGen allele CA390910968.

ClinVar aggregate classification (germline): Uncertain significance (1 of 4 stars; one submission).

Submission:

Labcorp Genetics (formerly Invitae), Labcorp
Classification: Uncertain significance. Last evaluated: 2023-04-14. Review status: criteria provided, single submitter. Criteria: Invitae Variant Classification Sherloc (09022015). Collection method: clinical testing. Allele origin: germline.
Comment: In summary, the available evidence is currently insufficient to determine the role of this variant in disease. Therefore, it has been classified as a Variant of Uncertain Significance. Algorithms developed to predict the effect of missense changes on protein structure and function output the following: SIFT: "Not Available"; PolyPhen-2: "Not Available"; Align-GVGD: "Not Available". The proline amino acid residue is found in multiple mammalian species, which suggests that this missense change does not adversely affect protein function. This variant has not been reported in the literature in individuals affected with AK7-related conditions. This variant is not present in population databases (gnomAD no frequency). This sequence change replaces alanine, which is neutral and non-polar, with proline, which is neutral and non-polar, at codon 9 of the AK7 protein (p.Ala9Pro).